The following is an entry in ClinVar:

ClinVar aggregate classification (germline): Uncertain significance. Review status: criteria provided, multiple submitters, no conflicts (2 of 4 stars). 2 submissions from 2 submitters: Uncertain significance (2). Last evaluated 2024-10-09.

Allele frequency attached by ClinVar (database versions not stated): gnomAD 0.00001; ExAC 0.00001; TOPMed 0.00002; ESP Exome Variant Server 0.00015; gnomAD exomes 0.00003.
gnomAD v4.1: 52 of 1,613,174 alleles (0.0032%); highest among the groups gnomAD compares: Non-Finnish European, 0.0041%; no homozygotes.

Submissions (2):

Labcorp Genetics (formerly Invitae), Labcorp
Classification: Uncertain significance. Last evaluated: 2024-10-09. Review status: criteria provided, single submitter. Criteria: Invitae Variant Classification Sherloc (09022015). Collection method: clinical testing. Allele origin: germline.
Comment: This sequence change replaces leucine, which is neutral and non-polar, with phenylalanine, which is neutral and non-polar, at codon 744 of the SUCO protein (p.Leu744Phe). This variant is present in population databases (rs141887675, gnomAD 0.004%). This variant has not been reported in the literature in individuals affected with SUCO-related conditions. ClinVar contains an entry for this variant (Variation ID: 2054314). An algorithm developed to predict the effect of missense changes on protein structure and function outputs the following: PolyPhen-2: "Benign". The phenylalanine amino acid residue is found in multiple mammalian species, which suggests that this missense change does not adversely affect protein function. In summary, the available evidence is currently insufficient to determine the role of this variant in disease. Therefore, it has been classified as a Variant of Uncertain Significance.

Ambry Genetics
Classification: Uncertain significance. Last evaluated: 2024-06-17. Review status: criteria provided, single submitter. Criteria: Ambry Variant Classification Scheme 2023. Collection method: clinical testing. Allele origin: germline.

NM_014283.5(SUCO):c.2232G>C (p.Leu744Phe)

Gene: SUCO (SUN domain containing ossification factor; plus strand). Cytogenetic location: 1q24.3.
Variant type: single nucleotide variant.
Coding change: c.2232G>C on transcript NM_014283.5 (MANE Select); coding-DNA position 2232, G replaced by C.
Protein change: p.Leu744Phe; replaces leucine 744 with phenylalanine.
Molecular consequence: missense variant. On other transcripts: intron variant (1).
Genome position (GRCh38, 1-based): chr1:172,589,333, G>C. VCF-style: chr1-172589333-G-C. GRCh37 (hg19) VCF-style: chr1-172558473-G-C.
Other names: c.543G>C, p.Leu181Phe (NM_001282751.2); c.2685G>C, p.Leu895Phe (NM_016227.4); c.1712+409G>C (NM_001282750.2); c.2232G>C (NM_014283.3); short protein forms L895F, L744F, L181F.
Identifiers: ClinVar variation 2054314 (VCV002054314.5), dbSNP rs141887675, ClinGen allele CA1247043.